The following is an entry in ClinVar:

ClinVar aggregate classification (germline): Benign/Likely benign. Review status: criteria provided, multiple submitters, no conflicts (2 of 4 stars). 11 submissions from 11 submitters: Benign (6); Likely benign (4). 1 of the submissions does not count toward it. Last evaluated 2026-06-01.

Conditions:
FAS-related disorder. Also called: FAS-related condition.
Autoimmune lymphoproliferative syndrome type 1. Also called: AUTOIMMUNE LYMPHOPROLIFERATIVE SYNDROME, TYPE I, AUTOSOMAL DOMINANT. Identifiers: Orphanet 3261, MedGen C2717884, MONDO:0011158, OMIM 601859.

Allele frequency attached by ClinVar (database versions not stated): 1000 Genomes Project 0.00240; 1000 Genomes Project 30x 0.00265; TOPMed 0.00502; gnomAD 0.00524 and 0.00529; ESP Exome Variant Server 0.00607; gnomAD exomes 0.00620; ExAC 0.00624.
gnomAD v4.1: 11,888 of 1,613,954 alleles (0.74%); highest among the groups gnomAD compares: Non-Finnish European, 0.83%; 76 homozygotes.

Submissions (11):

CeGaT Center for Human Genetics Tuebingen
Classification: Benign. Last evaluated: 2026-06-01. Review status: criteria provided, single submitter. Criteria: CeGaT Center For Human Genetics Tuebingen Variant Classification Criteria Version 2. Collection method: clinical testing. Allele origin: germline. Affected: yes. Observed: 19 variant alleles.
Comment: FAS: BP4, BP7, BS1, BS2

Labcorp Genetics (formerly Invitae), Labcorp
Classification: Benign for Autoimmune lymphoproliferative syndrome. Last evaluated: 2026-02-02. Review status: criteria provided, single submitter. Criteria: Invitae Variant Classification Sherloc (09022015). Collection method: clinical testing. Allele origin: germline.

Women's Health and Genetics/Laboratory Corporation of America, LabCorp
Classification: Benign. Last evaluated: 2026-01-23. Review status: criteria provided, single submitter. Criteria: LabCorp Variant Classification Summary - May 2015. Collection method: clinical testing. Allele origin: germline.

Mayo Clinic Laboratories, Mayo Clinic
Classification: Benign. Last evaluated: 2024-01-18. Review status: criteria provided, single submitter. Criteria: ACMG Guidelines, 2015. Collection method: clinical testing. Allele origin: germline. Observed: 4 variant alleles.
Comment: BS1, BS2, BP4, BP7

GeneDx
Classification: Likely benign. Last evaluated: 2021-09-16. Review status: criteria provided, single submitter. Criteria: GeneDx Variant Classification Process June 2021. Collection method: clinical testing. Allele origin: germline. Affected: yes.

Genetic Services Laboratory, University of Chicago
Classification: Benign. Last evaluated: 2018-08-23. Review status: criteria provided, single submitter. Criteria: ACMG Guidelines, 2015. Collection method: clinical testing. Allele origin: germline. Affected: no.

Illumina Laboratory Services, Illumina
Classification: Benign for Autoimmune lymphoproliferative syndrome type 1. Last evaluated: 2018-01-12. Review status: criteria provided, single submitter. Criteria: ICSL Variant Classification Criteria 13 December 2019. Collection method: clinical testing. Allele origin: germline.
Comment: This variant was observed in the ICSL laboratory as part of a predisposition screen in an ostensibly healthy population. It had not been previously curated by ICSL or reported in the Human Gene Mutation Database (HGMD: prior to June 1st, 2018), and was therefore a candidate for classification through an automated scoring system. Utilizing variant allele frequency, disease prevalence and penetrance estimates, and inheritance mode, an automated score was calculated to assess if this variant is too frequent to cause the disease. Based on the score and internal cut-off values, a variant classified as benign is not then subjected to further curation. The score for this variant resulted in a classification of benign for this disease.

Clinical Genetics DNA and cytogenetics Diagnostics Lab, Erasmus MC, Erasmus Medical Center
Classification: Likely benign for Autoimmune lymphoproliferative syndrome type 1. Last evaluated: 2017-06-28. Review status: criteria provided, single submitter. Criteria: ACGS Guidelines, 2013. Collection method: clinical testing. Allele origin: germline. Affected: yes. Study: VKGL Data-share Consensus.

Genome Diagnostics Laboratory, University Medical Center Utrecht
Classification: Likely benign for Autoimmune lymphoproliferative syndrome type 1. Last evaluated: 2017-06-13. Review status: criteria provided, single submitter. Criteria: ACGS Guidelines, 2013. Collection method: clinical testing. Allele origin: germline. Affected: yes. Study: VKGL Data-share Consensus.

Breakthrough Genomics
Classification: Likely benign. Review status: criteria provided, single submitter. Criteria: ACMG Guidelines, 2015. Collection method: not provided. Allele origin: germline. Inheritance: Autosomal dominant inheritance. Affected: yes.

PreventionGenetics, part of Exact Sciences
Classification: Benign for FAS-related condition. Last evaluated: 2019-07-26. Review status: no assertion criteria provided. Collection method: clinical testing. Allele origin: germline. Not counted in ClinVar's aggregate classification.
Comment: This variant is classified as benign based on ACMG/AMP sequence variant interpretation guidelines (Richards et al. 2015 PMID: 25741868, with internal and published modifications).

Literature cited by the submitters: PubMed 21858107 (cited by Mayo Clinic Laboratories, Mayo Clinic).

NM_000043.6(FAS):c.369G>A (p.Gln123=)

Gene: FAS (Fas cell surface death receptor; plus strand). Cytogenetic location: 10q23.31.
Variant type: single nucleotide variant.
Coding change: c.369G>A on transcript NM_000043.6 (MANE Select); coding-DNA position 369, G replaced by A.
Protein change: p.Gln123=; no amino-acid change (glutamine 123 retained).
Molecular consequence: synonymous variant. On other transcripts: non-coding transcript variant (1).
Genome position (GRCh38, 1-based): chr10:89,008,923, G>A. VCF-style: chr10-89008923-G-A. GRCh37 (hg19) VCF-style: chr10-90768680-G-A.
Other names: p.Gln123=; c.369G>A (LRG_134t1); c.369G>A, p.Gln123= (NM_001320619.2, NM_152871.4, NM_152872.4).
Identifiers: ClinVar variation 210992 (VCV000210992.58), dbSNP rs28362318, ClinGen allele CA207905.